The following is an entry in ClinVar:

NM_004991.4(MECOM):c.1475C>T (p.Pro492Leu)

Gene: MECOM (MDS1 and EVI1 complex locus; minus strand). Cytogenetic location: 3q26.2.
Variant type: single nucleotide variant.
Coding change: c.1475C>T on transcript NM_004991.4 (MANE Select); coding-DNA position 1475, C replaced by T.
Protein change: p.Pro492Leu; replaces proline 492 with leucine.
Molecular consequence: missense variant. On other transcripts: intron variant (2).
Genome position (GRCh38, 1-based): chr3:169,116,397, G>A on the plus strand (C>T on the coding strand, the complement: MECOM is on the minus strand). VCF-style: chr3-169116397-G-A. GRCh37 (hg19) VCF-style: chr3-168834185-G-A.
Other names: c.1106C>T, p.Pro369Leu (NM_001105077.4); c.911C>T, p.Pro304Leu (NM_001105078.4, NM_001164000.2, NM_001205194.2 and 4 more transcripts); c.914C>T, p.Pro305Leu (NM_001163999.2, NM_001366467.2, NM_001366468.2 and 1 more transcripts); c.1475C>T, p.Pro492Leu (NM_001366466.2); c.1133-630C>T (NM_001366473.2); c.569-630C>T (NM_001366474.2); short protein forms P304L, P369L, P305L, P492L.
Identifiers: ClinVar variation 2243275 (VCV002243275.5), dbSNP rs2549412807, ClinGen allele CA355062285.

ClinVar aggregate classification (germline): Uncertain significance. Review status: criteria provided, multiple submitters, no conflicts (2 of 4 stars). 2 submissions from 2 submitters: Uncertain significance (2). Last evaluated 2024-12-15.

Conditions:
Inborn genetic diseases. Identifiers: MedGen C0950123, MeSH D030342.

Submissions (2):

Ambry Genetics
Classification: Uncertain significance for Inborn genetic diseases. Last evaluated: 2024-12-15. Review status: criteria provided, single submitter. Criteria: Ambry Variant Classification Scheme 2023. Collection method: clinical testing. Allele origin: germline.
Comment: The p.P492L variant (also known as c.1475C>T), located in coding exon 8 of the MECOM gene, results from a C to T substitution at nucleotide position 1475. The proline at codon 492 is replaced by leucine, an amino acid with similar properties. This amino acid position is conserved. In addition, the in silico prediction for this alteration is inconclusive. Based on the available evidence, the clinical significance of this variant remains unclear.

Labcorp Genetics (formerly Invitae), Labcorp
Classification: Uncertain significance. Last evaluated: 2024-05-09. Review status: criteria provided, single submitter. Criteria: Invitae Variant Classification Sherloc (09022015). Collection method: clinical testing. Allele origin: germline.
Comment: This sequence change replaces proline, which is neutral and non-polar, with leucine, which is neutral and non-polar, at codon 304 of the MECOM protein (p.Pro304Leu). This variant is not present in population databases (gnomAD no frequency). This variant has not been reported in the literature in individuals affected with MECOM-related conditions. ClinVar contains an entry for this variant (Variation ID: 2243275). An algorithm developed to predict the effect of missense changes on protein structure and function (PolyPhen-2) suggests that this variant is likely to be disruptive. In summary, the available evidence is currently insufficient to determine the role of this variant in disease. Therefore, it has been classified as a Variant of Uncertain Significance.